The following is an entry in ClinVar:

NM_000458.4(HNF1B):c.477T>C (p.Pro159=)

Gene: HNF1B (HNF1 homeobox B; minus strand). Cytogenetic location: 17q12.
Variant type: single nucleotide variant.
Coding change: c.477T>C on transcript NM_000458.4 (MANE Select); coding-DNA position 477, T replaced by C.
Protein change: p.Pro159=; no amino-acid change (proline 159 retained).
Molecular consequence: synonymous variant.
Genome position (GRCh38, 1-based): chr17:37,739,507, A>G on the plus strand (T>C on the coding strand, the complement: HNF1B is on the minus strand). VCF-style: chr17-37739507-A-G. GRCh37 (hg19) VCF-style: chr17-36099498-A-G.
Other names: c.477T>C, p.Pro159= (NM_001165923.4, NM_001304286.2).
Identifiers: ClinVar variation 890838 (VCV000890838.5), dbSNP rs1212716750, ClinGen allele CA499603900.

ClinVar aggregate classification (germline): Conflicting classifications of pathogenicity. Review status: criteria provided, conflicting classifications (1 of 4 stars). 2 submissions from 2 submitters: Uncertain significance (1); Benign (1). Last evaluated 2017-04-27.

Conditions:
Maturity-onset diabetes of the young (MODY). Also called: Maturity onset diabetes mellitus in young. Identifiers: Orphanet 552, MedGen C0342276, MONDO:0018911, HP:0004904.
Renal cysts and diabetes syndrome (RCAD). Also called: Familial hypoplastic, glomerulocystic kidney; MATURITY-ONSET DIABETES OF THE YOUNG, TYPE 5. Identifiers: Orphanet 93111, MedGen C0431693, MONDO:0007669, OMIM 137920.

Submissions (2):

Illumina Laboratory Services, Illumina
Classification: Uncertain significance for Renal cysts and diabetes syndrome. Last evaluated: 2017-04-27. Review status: criteria provided, single submitter. Criteria: ICSL Variant Classification Criteria 13 December 2019. Collection method: clinical testing. Allele origin: germline.

Clinical Genomics, Uppaluri K&H Personalized Medicine Clinic
Classification: Benign for Maturity-onset diabetes of the young. Review status: criteria provided, single submitter. Criteria: K & H Uppaluri Personalized Medicine Clinic Variant Classification & Assertion Criteria_Updated V.1. Collection method: research. Allele origin: unknown. Inheritance: Autosomal dominant inheritance.
Comment: HNF1B gene mutations are associated with early onset diabetes and pancreatic atrophy. It is also associated with multiple renal manifestations including renal cysts, Tubulointerstitial disease, glomerulocystic disease, renal hypoplasia, hypomagnesemia. However no sufficient evidence is found to ascertain the role of this particular variant rs1212716750, yet.

Literature cited by the submitters: PubMed 24897035 (cited by Clinical Genomics, Uppaluri K&H Personalized Medicine Clinic); PubMed 25536396 (cited by Clinical Genomics, Uppaluri K&H Personalized Medicine Clinic); PubMed 27615128 (cited by Clinical Genomics, Uppaluri K&H Personalized Medicine Clinic); PubMed 28215227 (cited by Clinical Genomics, Uppaluri K&H Personalized Medicine Clinic); PubMed 33434175 (cited by Clinical Genomics, Uppaluri K&H Personalized Medicine Clinic); PubMed 25741167 (cited by Clinical Genomics, Uppaluri K&H Personalized Medicine Clinic); PubMed 26340261 (cited by Clinical Genomics, Uppaluri K&H Personalized Medicine Clinic); PubMed 19639018 (cited by Clinical Genomics, Uppaluri K&H Personalized Medicine Clinic).